The following is an entry in ClinVar:

NM_007035.4(KERA):c.740A>G (p.Asn247Ser)

Gene: KERA (keratocan; minus strand). Cytogenetic location: 12q21.33.
Variant type: single nucleotide variant.
Coding change: c.740A>G on transcript NM_007035.4 (MANE Select); coding-DNA position 740, A replaced by G.
Protein change: p.Asn247Ser; replaces asparagine 247 with serine.
Molecular consequence: missense variant.
Genome position (GRCh38, 1-based): chr12:91,055,542, T>C on the plus strand (A>G on the coding strand, the complement: KERA is on the minus strand). VCF-style: chr12-91055542-T-C. GRCh37 (hg19) VCF-style: chr12-91449319-T-C.
Other names: c.740A>G (NM_007035.3); short protein forms N247S.
Identifiers: ClinVar variation 6519 (VCV000006519.5), dbSNP rs121917858, ClinGen allele CA118319.
Genomic context (GRCh38, chr12:91,055,542, plus strand): 5'-AGATCTAGAATTGATGATACATCAAATCCTCTTGATGGGAGACCCTCATCTGACAGTTTG[T>C]TGTGATTTAGTCTCAAAAAGGCCACTTTAGGAATCACATTAAAATAATTTTCTGGTATTC-3'
Protein context (NP_008966.1, residues 237-257): PKVAFLRLNH[Asn247Ser]KLSDEGLPSR

ClinVar aggregate classification (germline): Pathogenic. Review status: criteria provided, multiple submitters, no conflicts (2 of 4 stars). 4 submissions from 4 submitters: Pathogenic (3). 1 of the submissions does not count toward it. Last evaluated 2025-09-27.

Conditions:
KERA-related disorders.
Cornea plana 2 (CNA2). Also called: CORNEA PLANA 2, AUTOSOMAL RECESSIVE. Identifiers: Orphanet 53691, MedGen C1857574, MONDO:0009014, OMIM 217300.

Allele frequency attached by ClinVar (database versions not stated): TOPMed 0.00011; 1000 Genomes Project 30x 0.00016; 1000 Genomes Project 0.00020; gnomAD exomes 0.00040 and 0.00068; gnomAD 0.00041 and 0.00045; ExAC 0.00055.
gnomAD v4.1: 632 of 1,610,578 alleles (0.039%); highest among the groups gnomAD compares: Non-Finnish European, 0.029%; no homozygotes.

Submissions (4):

Labcorp Genetics (formerly Invitae), Labcorp
Classification: Pathogenic. Last evaluated: 2025-09-27. Review status: criteria provided, single submitter. Criteria: Invitae Variant Classification Sherloc (09022015). Collection method: clinical testing. Allele origin: germline.
Comment: This sequence change replaces asparagine, which is neutral and polar, with serine, which is neutral and polar, at codon 247 of the KERA protein (p.Asn247Ser). This variant is present in population databases (rs121917858, gnomAD 0.5%), and has an allele count higher than expected for a pathogenic variant. This missense change has been observed in individual(s) with cornea plana (PMID: 10802664, 17679937, 28677912). It is commonly reported in individuals of Finnish ancestry (PMID: 10802664, 11754099). This variant is also known as 247A→G N247S. ClinVar contains an entry for this variant (Variation ID: 6519). An algorithm developed to predict the effect of missense changes on protein structure and function (PolyPhen-2) suggests that this variant is likely to be disruptive. For these reasons, this variant has been classified as Pathogenic.

GeneDx
Classification: Pathogenic. Last evaluated: 2025-05-14. Review status: criteria provided, single submitter. Criteria: GeneDx Variant Classification Process June 2021. Collection method: clinical testing. Allele origin: germline. Affected: yes.
Comment: Reported as the most common pathogenic variant in association with KERA-related cornea plana among individuals of Finnish background (PMID: 10802664, 38459613, 16157807, 28677912, 11754099, 17679937); In silico analysis supports that this missense variant has a deleterious effect on protein structure/function; This variant is associated with the following publications: (PMID: 31589614, 38459613, 16157807, 17679937, 28677912, 10802664, 11754099, 26099342)

Blueprint Genetics
Classification: Pathogenic for KERA-related disorders. Last evaluated: 2024-11-20. Review status: criteria provided, single submitter. Criteria: ACMG Guidelines, 2015. Collection method: clinical testing. Allele origin: germline. Affected: yes. Observed: 5 variant alleles.

OMIM
Classification: Pathogenic for CORNEA PLANA 2. Last evaluated: 2002-01-01. Review status: no assertion criteria provided. Collection method: literature only. Allele origin: germline. Not counted in ClinVar's aggregate classification.

Literature cited by the submitters: PubMed 10802664 (cited by Labcorp Genetics (formerly Invitae), Labcorp and OMIM); PubMed 17679937 (cited by Labcorp Genetics (formerly Invitae), Labcorp); PubMed 28677912 (cited by Labcorp Genetics (formerly Invitae), Labcorp); PubMed 11754099 (cited by Labcorp Genetics (formerly Invitae), Labcorp and OMIM).